The following is an entry in ClinVar:

ClinVar aggregate classification (germline): Uncertain significance (1 of 4 stars; one submission).

Submission:

GeneDx
Classification: Uncertain significance. Last evaluated: 2025-06-10. Review status: criteria provided, single submitter. Criteria: GeneDx Variant Classification Process June 2021. Collection method: clinical testing. Allele origin: germline. Affected: yes.
Comment: Not observed at significant frequency in large population cohorts (gnomAD); In silico analysis supports that this missense variant has a deleterious effect on protein structure/function; Has not been previously published as pathogenic or benign to our knowledge

NM_000213.5(ITGB4):c.1156A>C (p.Thr386Pro)

Gene: ITGB4 (integrin subunit beta 4; plus strand). Cytogenetic location: 17q25.1.
Variant type: single nucleotide variant.
Coding change: c.1156A>C on transcript NM_000213.5 (MANE Select); coding-DNA position 1156, A replaced by C.
Protein change: p.Thr386Pro; replaces threonine 386 with proline.
Molecular consequence: missense variant.
Genome position (GRCh38, 1-based): chr17:75,731,309, A>C. VCF-style: chr17-75731309-A-C. GRCh37 (hg19) VCF-style: chr17-73727390-A-C.
Other names: c.1156A>C, p.Thr386Pro (NM_001005619.2, NM_001005731.3, NM_001321123.2 and 1 more transcripts); short protein forms T386P.
Identifiers: ClinVar variation 4537576 (VCV004537576.1).